The following is an entry in ClinVar:

ClinVar aggregate classification (germline): Uncertain significance. Review status: criteria provided, multiple submitters, no conflicts (2 of 4 stars). 4 submissions from 4 submitters: Uncertain significance (4). Last evaluated 2023-10-20.

Conditions:
Inborn genetic diseases. Identifiers: MedGen C0950123, MeSH D030342.

Allele frequency attached by ClinVar (database versions not stated): gnomAD exomes below 0.00001.

Submissions (4):

Blueprint Genetics
Classification: Uncertain significance. Last evaluated: 2023-10-20. Review status: criteria provided, single submitter. Criteria: ACMG Guidelines, 2015. Collection method: clinical testing. Allele origin: germline.

Labcorp Genetics (formerly Invitae), Labcorp
Classification: Uncertain significance. Last evaluated: 2023-08-04. Review status: criteria provided, single submitter. Criteria: Invitae Variant Classification Sherloc (09022015). Collection method: clinical testing. Allele origin: germline.
Comment: In summary, the available evidence is currently insufficient to determine the role of this variant in disease. Therefore, it has been classified as a Variant of Uncertain Significance. Experimental studies and prediction algorithms are not available or were not evaluated, and the functional significance of this variant is currently unknown. ClinVar contains an entry for this variant (Variation ID: 1928443). This variant has not been reported in the literature in individuals affected with ARID1B-related conditions. This variant is not present in population databases (gnomAD no frequency). This sequence change replaces glycine, which is neutral and non-polar, with aspartic acid, which is acidic and polar, at codon 309 of the ARID1B protein (p.Gly309Asp).

CeGaT Center for Human Genetics Tuebingen
Classification: Uncertain significance. Last evaluated: 2022-12-01. Review status: criteria provided, single submitter. Criteria: CeGaT Center For Human Genetics Tuebingen Variant Classification Criteria Version 2. Collection method: clinical testing. Allele origin: germline. Affected: yes. Observed: 1 variant allele.
Comment: ARID1B: PM2

Ambry Genetics
Classification: Uncertain significance for Inborn genetic diseases. Last evaluated: 2021-12-06. Review status: criteria provided, single submitter. Criteria: Ambry Variant Classification Scheme 2023. Collection method: clinical testing. Allele origin: germline.

NM_001374828.1(ARID1B):c.1175G>A (p.Gly392Asp)

Gene: ARID1B (AT-rich interaction domain 1B; plus strand). Cytogenetic location: 6q25.3.
Variant type: single nucleotide variant.
Coding change: c.1175G>A on transcript NM_001374828.1 (MANE Select); coding-DNA position 1175, G replaced by A.
Protein change: p.Gly392Asp; replaces glycine 392 with aspartic acid.
Molecular consequence: missense variant.
Genome position (GRCh38, 1-based): chr6:156,778,855, G>A. VCF-style: chr6-156778855-G-A. GRCh37 (hg19) VCF-style: chr6-157099989-G-A.
Other names: c.926G>A, p.Gly309Asp (NM_001346813.1, NM_020732.3); c.1175G>A, p.Gly392Asp (NM_001371656.1, NM_001374820.1, NM_017519.3); c.752G>A, p.Gly251Asp (NM_175863.2); short protein forms G392D, G251D, G309D.
Identifiers: ClinVar variation 1928443 (VCV001928443.31), dbSNP rs2546833348, ClinGen allele CA366383384.
Genomic context (GRCh38, chr6:156,778,855, plus strand): 5'-GGTACCCCAACAGCCAGTGCAACCATTATCCGGGCTACAGCCGGCCCGGCGCGGGCGGCG[G>A]CGGCGGCGGCGGCGGCGGAGGAGGAGGAGGCAGCGGAGGAGGAGGAGGAGGAGGAGGAGC-3'
Protein context (NP_001361757.1, residues 382-402): PGYSRPGAGG[Gly392Asp]GGGGGGGGGG